The following is an entry in ClinVar:

ClinVar aggregate classification (germline): Uncertain significance (1 of 4 stars; one submission).

Conditions:
Cardiovascular phenotype. Identifiers: MedGen CN230736.

Submission:

Ambry Genetics
Classification: Uncertain significance for Cardiovascular phenotype. Last evaluated: 2025-08-28. Review status: criteria provided, single submitter. Criteria: Ambry Variant Classification Scheme 2023. Collection method: clinical testing. Allele origin: germline.
Comment: The p.Y2423H variant (also known as c.7267T>C), located in coding exon 2 of the ZNF469 gene, results from a T to C substitution at nucleotide position 7267. The tyrosine at codon 2423 is replaced by histidine, an amino acid with similar properties. This amino acid position is conserved. In addition, this alteration is predicted to be tolerated by in silico analysis. Based on the available evidence, the clinical significance of this variant remains unclear.

NM_001127464.1:c.7267T>C

Gene: ZNF469 (zinc finger protein 469; plus strand).
Variant type: single nucleotide variant.
Identifiers: ClinVar variation 4209229 (VCV004209229.1).